The following is an entry in ClinVar:

NM_001365276.2(TNXB):c.6800G>A (p.Gly2267Asp)

Gene: TNXB (tenascin XB; minus strand). Cytogenetic location: 6p21.33.
Variant type: single nucleotide variant.
Coding change: c.6800G>A on transcript NM_001365276.2 (MANE Select); coding-DNA position 6800, G replaced by A.
Protein change: p.Gly2267Asp; replaces glycine 2267 with aspartic acid.
Molecular consequence: missense variant.
Genome position (GRCh38, 1-based): chr6:32,064,862, C>T on the plus strand (G>A on the coding strand, the complement: TNXB is on the minus strand). VCF-style: chr6-32064862-C-T. GRCh37 (hg19) VCF-style: chr6-32032639-C-T.
Other names: c.7541G>A, p.Gly2514Asp (NM_001428335.1); c.6800G>A, p.Gly2267Asp (NM_019105.8); short protein forms G2514D, G2267D.
Identifiers: ClinVar variation 3459860 (VCV003459860.1).

ClinVar aggregate classification (germline): Uncertain significance (1 of 4 stars; one submission).

Conditions:
Cardiovascular phenotype. Identifiers: MedGen CN230736.

gnomAD v4.1: 3 of 1,611,706 alleles (0.00019%); highest among the groups gnomAD compares: Non-Finnish European, 0.00025%; no homozygotes.

Submission:

Ambry Genetics
Classification: Uncertain significance for Cardiovascular phenotype. Last evaluated: 2024-10-24. Review status: criteria provided, single submitter. Criteria: Ambry Variant Classification Scheme 2023. Collection method: clinical testing. Allele origin: germline.
Comment: The p.G2267D variant (also known as c.6800G>A), located in coding exon 18 of the TNXB gene, results from a G to A substitution at nucleotide position 6800. The glycine at codon 2267 is replaced by aspartic acid, an amino acid with similar properties. This amino acid position is conserved. In addition, this alteration is predicted to be tolerated by in silico analysis. Based on the available evidence, the clinical significance of this variant remains unclear.